The following is an entry in ClinVar:

ClinVar aggregate classification (germline): Uncertain significance (1 of 4 stars; one submission).

Submission:

GeneDx
Classification: Uncertain significance. Last evaluated: 2024-11-02. Review status: criteria provided, single submitter. Criteria: GeneDx Variant Classification Process June 2021. Collection method: clinical testing. Allele origin: germline. Affected: yes.
Comment: Not observed at significant frequency in large population cohorts (gnomAD); In silico analysis supports that this missense variant has a deleterious effect on protein structure/function; Has not been previously published as pathogenic or benign to our knowledge

NM_001161352.2(KCNMA1):c.1633G>T (p.Gly545Cys)

Gene: KCNMA1 (potassium calcium-activated channel subfamily M alpha 1; minus strand). Cytogenetic location: 10q22.3.
Variant type: single nucleotide variant.
Coding change: c.1633G>T on transcript NM_001161352.2 (MANE Select); coding-DNA position 1633, G replaced by T.
Protein change: p.Gly545Cys; replaces glycine 545 with cysteine.
Molecular consequence: missense variant.
Genome position (GRCh38, 1-based): chr10:77,073,213, C>A on the plus strand (G>T on the coding strand, the complement: KCNMA1 is on the minus strand). VCF-style: chr10-77073213-C-A. GRCh37 (hg19) VCF-style: chr10-78832971-C-A.
Other names: c.1633G>T, p.Gly545Cys (NM_001014797.3, NM_001161353.2, NM_001271519.2 and 8 more transcripts); c.1471G>T, p.Gly491Cys (NM_001271518.2); c.1093G>T, p.Gly365Cys (NM_001322838.2); short protein forms G365C, G491C, G545C.
Identifiers: ClinVar variation 3897300 (VCV003897300.1).